The following is an entry in ClinVar:

NM_002206.3(ITGA7):c.2741G>A (p.Arg914Gln)

Gene: ITGA7 (integrin subunit alpha 7; minus strand). Cytogenetic location: 12q13.2.
Variant type: single nucleotide variant.
Coding change: c.2741G>A on transcript NM_002206.3 (MANE Select); coding-DNA position 2741, G replaced by A.
Protein change: p.Arg914Gln; replaces arginine 914 with glutamine.
Molecular consequence: missense variant.
Genome position (GRCh38, 1-based): chr12:55,692,947, C>T on the plus strand (G>A on the coding strand, the complement: ITGA7 is on the minus strand). VCF-style: chr12-55692947-C-T. GRCh37 (hg19) VCF-style: chr12-56086731-C-T.
Other names: c.2741G>A (NM_002206.2); c.2753G>A, p.Arg918Gln (NM_001144996.2); c.2462G>A, p.Arg821Gln (NM_001144997.2); c.2414G>A, p.Arg805Gln (NM_001367993.1); c.1397G>A, p.Arg466Gln (NM_001367994.1); c.2723G>A, p.Arg908Gln (NM_001374465.1); c.2873G>A, p.Arg958Gln (NM_001410977.1); c.2735G>A, p.Arg912Gln (NM_001414029.1); and 6 more; short protein forms R889Q, R958Q, R805Q, R821Q, R839Q, R853Q, R874Q, R912Q.
Identifiers: ClinVar variation 2143204 (VCV002143204.5), dbSNP rs200450556, ClinGen allele CA6615474.

ClinVar aggregate classification (germline): Uncertain significance. Review status: criteria provided, multiple submitters, no conflicts (2 of 4 stars). 2 submissions from 2 submitters: Uncertain significance (2). Last evaluated 2025-03-24.

Conditions:
Congenital muscular dystrophy due to integrin alpha-7 deficiency. Also called: Congenital muscular dystrophy with integrin alpha-7 deficiency; Muscular dystrophy, congenital, due to ITGA7 deficiency; MYOPATHY, CONGENITAL, DUE TO INTEGRIN ALPHA-7 DEFICIENCY. Identifiers: Orphanet 34520, MedGen C2750786, MONDO:0013177, OMIM 613204.

Allele frequency attached by ClinVar (database versions not stated): gnomAD 0.00001; ExAC 0.00002; gnomAD exomes 0.00002; TOPMed 0.00002.

Submissions (2):

Ambry Genetics
Classification: Uncertain significance. Last evaluated: 2025-03-24. Review status: criteria provided, single submitter. Criteria: Ambry Variant Classification Scheme 2023. Collection method: clinical testing. Allele origin: germline.

Labcorp Genetics (formerly Invitae), Labcorp
Classification: Uncertain significance for Congenital muscular dystrophy due to integrin alpha-7 deficiency. Last evaluated: 2022-05-31. Review status: criteria provided, single submitter. Criteria: Invitae Variant Classification Sherloc (09022015). Collection method: clinical testing. Allele origin: germline.
Comment: This sequence change replaces arginine, which is basic and polar, with glutamine, which is neutral and polar, at codon 914 of the ITGA7 protein (p.Arg914Gln). This variant is present in population databases (rs200450556, gnomAD 0.006%). This variant has not been reported in the literature in individuals affected with ITGA7-related conditions. Algorithms developed to predict the effect of missense changes on protein structure and function are either unavailable or do not agree on the potential impact of this missense change (SIFT: "Tolerated"; PolyPhen-2: "Probably Damaging"; Align-GVGD: "Class C0"). In summary, the available evidence is currently insufficient to determine the role of this variant in disease. Therefore, it has been classified as a Variant of Uncertain Significance.